The following is an entry in ClinVar:

ClinVar aggregate classification (germline): Uncertain significance (1 of 4 stars; one submission).
ClinVar aggregate classification (oncogenicity): Uncertain significance (1 of 4 stars; one submission).

Conditions:
Neoplasm. Also called: Neoplasms; Neoplasm (disease); tumor. Identifiers: MedGen C0027651, MeSH D009369, MONDO:0005070, HP:0002664.

gnomAD v4.1: 6 of 1,610,350 alleles (0.00037%); highest among the groups gnomAD compares: Non-Finnish European, 0.00042%; no homozygotes.

Submissions (2):

Center for Genomic Medicine, Rigshospitalet, Copenhagen University Hospital
Classification: Uncertain significance for Neoplasm. Last evaluated: 2025-03-04. Review status: criteria provided, single submitter. Criteria: ClinGen/CGC/VICC Guidelines for Oncogenicity, 2022. Collection method: clinical testing. Allele origin: somatic. Affected: yes.

GeneDx
Classification: Uncertain significance. Last evaluated: 2022-12-30. Review status: criteria provided, single submitter. Criteria: GeneDx Variant Classification Process June 2021. Collection method: clinical testing. Allele origin: germline. Affected: yes.
Comment: Not observed at significant frequency in large population cohorts (gnomAD); Nonsense variant predicted to result in protein truncation or nonsense mediated decay in a gene or region of a gene for which loss of function is not a well-established mechanism of disease; Variants in candidate genes are classified as variants of uncertain significance in accordance with ACMG guidelines (Richards et al., 2015); Identified in two individuals with pulmonary arterial hypertension in the published literature, however, familial segregation studies were not included (Swietlik et al., 2020); This variant is associated with the following publications: (PMID: 33320693)

NM_002253.4(KDR):c.3064C>T (p.Arg1022Ter)

Gene: KDR (kinase insert domain receptor; minus strand). Cytogenetic location: 4q12.
Variant type: single nucleotide variant.
Coding change: c.3064C>T on transcript NM_002253.4 (MANE Select); coding-DNA position 3064, C replaced by T.
Protein change: p.Arg1022Ter; replaces arginine 1022 with a stop codon.
Molecular consequence: nonsense.
Genome position (GRCh38, 1-based): chr4:55,092,622, G>A on the plus strand (C>T on the coding strand, the complement: KDR is on the minus strand). VCF-style: chr4-55092622-G-A. GRCh37 (hg19) VCF-style: chr4-55958789-G-A.
Other names: c.3064C>T (NM_002253.2); short protein forms R1022*.
Identifiers: ClinVar variation 3257859 (VCV003257859.3).